The following is an entry in ClinVar:

NM_004006.3(DMD):c.8937+6G>A

Gene: DMD (dystrophin; minus strand). Cytogenetic location: Xp21.2.
Variant type: single nucleotide variant.
Coding change: c.8937+6G>A on transcript NM_004006.3 (MANE Select); 6 bases into the intron after coding-DNA position 8937, G replaced by A.
Molecular consequence: intron variant.
Genome position (GRCh38, 1-based): chrX:31,478,100, C>T on the plus strand (G>A on the coding strand, the complement: DMD is on the minus strand). VCF-style: chrX-31478100-C-T. GRCh37 (hg19) VCF-style: chrX-31496217-C-T.
Other names: c.8913+6G>A (NM_000109.4); c.4914+6G>A (NM_004011.4); c.4905+6G>A (NM_004012.4); c.1557+6G>A (NM_004023.3, NM_004020.4, NM_004022.3 and 2 more transcripts); c.750+6G>A (NM_004014.3); c.8925+6G>A (NM_004009.3); c.8568+6G>A (NM_004010.3).
Identifiers: ClinVar variation 1444338 (VCV001444338.6), dbSNP rs767509893, ClinGen allele CA10377961.

ClinVar aggregate classification (germline): Conflicting classifications of pathogenicity. Review status: criteria provided, conflicting classifications (1 of 4 stars). 3 submissions from 3 submitters: Uncertain significance (2); Likely benign (1). Last evaluated 2025-02-06.

Conditions:
Duchenne muscular dystrophy (DMD). Also called: MUSCULAR DYSTROPHY, PSEUDOHYPERTROPHIC PROGRESSIVE, DUCHENNE TYPE; Duchenne Muscular Dystrophy (DMD). Identifiers: Orphanet 98896, MedGen C0013264, MONDO:0010679, OMIM 310200.

Allele frequency attached by ClinVar (database versions not stated): ExAC 0.00001; gnomAD 0.00001; TOPMed 0.00004.
gnomAD v4.1: 17 of 1,207,661 alleles (0.0014%); highest among the groups gnomAD compares: Admixed American, 0.0066%; no homozygotes.

Submissions (3):

Labcorp Genetics (formerly Invitae), Labcorp
Classification: Uncertain significance for Duchenne muscular dystrophy. Last evaluated: 2025-02-06. Review status: criteria provided, single submitter. Criteria: Invitae Variant Classification Sherloc (09022015). Collection method: clinical testing. Allele origin: germline.
Comment: This sequence change falls in intron 59 of the DMD gene. It does not directly change the encoded amino acid sequence of the DMD protein. It affects a nucleotide within the consensus splice site. The frequency data for this variant in the population databases is considered unreliable, as metrics indicate poor data quality at this position in the gnomAD database. This variant has not been reported in the literature in individuals affected with DMD-related conditions. ClinVar contains an entry for this variant (Variation ID: 1444338). Variants that disrupt the consensus splice site are a relatively common cause of aberrant splicing (PMID: 17576681, 9536098). Algorithms developed to predict the effect of sequence changes on RNA splicing suggest that this variant is not likely to affect RNA splicing. In summary, the available evidence is currently insufficient to determine the role of this variant in disease. Therefore, it has been classified as a Variant of Uncertain Significance.

Women's Health and Genetics/Laboratory Corporation of America, LabCorp
Classification: Uncertain significance. Last evaluated: 2024-05-06. Review status: criteria provided, single submitter. Criteria: LabCorp Variant Classification Summary - May 2015. Collection method: clinical testing. Allele origin: germline.

Blueprint Genetics
Classification: Likely benign. Last evaluated: 2023-06-27. Review status: criteria provided, single submitter. Criteria: ACMG Guidelines, 2015. Collection method: clinical testing. Allele origin: germline.

Literature cited by the submitters: PubMed 17576681 (cited by Labcorp Genetics (formerly Invitae), Labcorp); PubMed 9536098 (cited by Labcorp Genetics (formerly Invitae), Labcorp).